The following is an entry in ClinVar:

NM_001290223.2(DOCK1):c.5427C>T (p.Asn1809=)

Gene: DOCK1 (dedicator of cytokinesis 1; plus strand). Cytogenetic location: 10q26.2.
Variant type: single nucleotide variant.
Coding change: c.5427C>T on transcript NM_001290223.2 (MANE Select); coding-DNA position 5427, C replaced by T.
Protein change: p.Asn1809=; no amino-acid change (asparagine 1809 retained).
Molecular consequence: synonymous variant.
Genome position (GRCh38, 1-based): chr10:127,447,407, C>T. VCF-style: chr10-127447407-C-T. GRCh37 (hg19) VCF-style: chr10-129245671-C-T.
Other names: c.5244C>T, p.Asn1748= (NM_001377553.1); c.5211C>T, p.Asn1737= (NM_001377554.1); c.5169C>T, p.Asn1723= (NM_001377556.1); c.5157C>T, p.Asn1719= (NM_001377558.1); c.4572C>T, p.Asn1524= (NM_001377560.1); c.5364C>T, p.Asn1788= (NM_001380.5); c.5526C>T, p.Asn1842= (NM_001377543.1); c.5400C>T, p.Asn1800= (NM_001377544.1); and 4 more.
Identifiers: ClinVar variation 3341711 (VCV003341711.16).

ClinVar aggregate classification (germline): Likely benign (1 of 4 stars; one submission).

gnomAD v4.1: 117 of 1,612,496 alleles (0.0073%); highest among the groups gnomAD compares: East Asian, 0.0089%; no homozygotes.

Submission:

CeGaT Center for Human Genetics Tuebingen
Classification: Likely benign. Last evaluated: 2024-08-01. Review status: criteria provided, single submitter. Criteria: CeGaT Center For Human Genetics Tuebingen Variant Classification Criteria Version 2. Collection method: clinical testing. Allele origin: germline. Affected: yes. Observed: 1 variant allele.
Comment: DOCK1: BP4, BP7